The following is an entry in ClinVar:

NM_207361.6(FREM2):c.9038C>T (p.Thr3013Met)

Gene: FREM2 (FRAS1 related extracellular matrix 2; plus strand). Cytogenetic location: 13q13.3.
Variant type: single nucleotide variant.
Coding change: c.9038C>T on transcript NM_207361.6 (MANE Select); coding-DNA position 9038, C replaced by T.
Protein change: p.Thr3013Met; replaces threonine 3013 with methionine.
Molecular consequence: missense variant.
Genome position (GRCh38, 1-based): chr13:38,880,315, C>T. VCF-style: chr13-38880315-C-T. GRCh37 (hg19) VCF-style: chr13-39454452-C-T.
Other names: p.Thr3013Met; short protein forms T3013M.
Identifiers: ClinVar variation 283801 (VCV000283801.56), dbSNP rs114400765, ClinGen allele CA6956299.

ClinVar aggregate classification (germline): Conflicting classifications of pathogenicity. Review status: criteria provided, conflicting classifications (1 of 4 stars). 12 submissions from 12 submitters: Uncertain significance (5); Likely benign (6). 1 of the submissions does not count toward it. Last evaluated 2026-02-02.

Conditions:
Fraser syndrome 2 (FRASRS2). Identifiers: MedGen C4540036, MONDO:0054738, OMIM 617666.
Isolated cryptophthalmia. Also called: ANKYLOBLEPHARON, SIMPLE; Cryptophthalmos, unilateral or bilateral, isolated. Identifiers: Orphanet 91396, MedGen C1852453, MONDO:0007410, OMIM 123570.
FREM2-related disorder. Also called: FREM2-related condition.

Allele frequency attached by ClinVar (database versions not stated): 1000 Genomes Project 30x 0.00062; 1000 Genomes Project 0.00080; gnomAD 0.00118 and 0.00157; TOPMed 0.00166; ESP Exome Variant Server 0.00192; gnomAD exomes 0.00223; ExAC 0.00272.
gnomAD v4.1: 3,639 of 1,613,810 alleles (0.23%); highest among the groups gnomAD compares: South Asian, 0.51%; 11 homozygotes.

Submissions (12):

Labcorp Genetics (formerly Invitae), Labcorp
Classification: Likely benign. Last evaluated: 2026-02-02. Review status: criteria provided, single submitter. Criteria: Invitae Variant Classification Sherloc (09022015). Collection method: clinical testing. Allele origin: germline.

CeGaT Center for Human Genetics Tuebingen
Classification: Likely benign. Last evaluated: 2025-10-01. Review status: criteria provided, single submitter. Criteria: CeGaT Center For Human Genetics Tuebingen Variant Classification Criteria Version 2. Collection method: clinical testing. Allele origin: germline. Affected: yes. Observed: 2 variant alleles.
Comment: FREM2: BP4

Mayo Clinic Laboratories, Mayo Clinic
Classification: Likely benign. Last evaluated: 2025-09-14. Review status: criteria provided, single submitter. Criteria: ACMG Guidelines, 2015. Collection method: clinical testing. Allele origin: germline. Observed: 2 variant alleles.
Comment: BS1, BS2

Women's Health and Genetics/Laboratory Corporation of America, LabCorp
Classification: Likely benign. Last evaluated: 2025-03-21. Review status: criteria provided, single submitter. Criteria: LabCorp Variant Classification Summary - May 2015. Collection method: clinical testing. Allele origin: germline.
Comment: Variant summary: FREM2 c.9038C>T (p.Thr3013Met) results in a non-conservative amino acid change in the encoded protein sequence. Four of five in-silico tools predict a damaging effect of the variant on protein function. The variant allele was found at a frequency of 0.0022 in 251316 control chromosomes, predominantly at a frequency of 0.0048 within the South Asian subpopulation in the gnomAD database. The observed variant frequency within South Asian control individuals in the gnomAD database is approximately 4 fold of the estimated maximal expected allele frequency for a pathogenic variant in FREM2 causing Cryptophthalmos Syndrome phenotype (0.0013). c.9038C>T has been reported in the literature in an individual affected with Nephronophthisis (Braun_2015). These report(s) do not provide unequivocal conclusions about association of the variant with Cryptophthalmos Syndrome. To our knowledge, no experimental evidence demonstrating an impact on protein function has been reported. The following publication has been ascertained in the context of this evaluation (PMID: 26489029). ClinVar contains an entry for this variant (Variation ID: 283801). Based on the evidence outlined above, the variant was classified as likely benign.

Blueprint Genetics
Classification: Uncertain significance. Last evaluated: 2024-11-19. Review status: criteria provided, single submitter. Criteria: ACMG Guidelines, 2015. Collection method: clinical testing. Allele origin: germline.

Genomic Medicine Center of Excellence, King Faisal Specialist Hospital and Research Centre
Classification: Uncertain significance for Fraser syndrome 2. Last evaluated: 2024-03-26. Review status: criteria provided, single submitter. Criteria: ACMG Guidelines, 2015. Collection method: clinical testing. Allele origin: germline.

GeneDx
Classification: Uncertain significance. Last evaluated: 2024-02-09. Review status: criteria provided, single submitter. Criteria: GeneDx Variant Classification Process June 2021. Collection method: clinical testing. Allele origin: germline. Affected: yes.
Comment: In silico analysis supports that this missense variant has a deleterious effect on protein structure/function; This variant is associated with the following publications: (PMID: 34426522, 36360262, 26489029)

Genetic Services Laboratory, University of Chicago
Classification: Uncertain significance. Last evaluated: 2023-03-01. Review status: criteria provided, single submitter. Criteria: ACMG Guidelines, 2015. Collection method: clinical testing. Allele origin: germline. Affected: no.
Comment: DNA sequence analysis of the FREM2 gene demonstrated a sequence change, c.9038C>T, in exon 24 that results in an amino acid change, p.Thr3013Met. This sequence change has been described in one individual with nephronophthisis (PMID: 26489029). This sequence change has been described in the gnomAD database with a frequency of 0.48% in the South Asian subpopulation and 0.21% in the overall population (dbSNP rs114400765).The p.Thr3013Met change affects a highly conserved amino acid residue located in a domain of the FREM2 protein that is not known to be functional. In-silico pathogenicity prediction tools (SIFT, PolyPhen2, Align GVGD, REVEL) provide contradictory results for the p.Thr3013Met substitution. Due to insufficient evidence and the lack of functional studies, the clinical significance of the p.Thr3013Met change remains unknown at this time.

Department of Pathology and Laboratory Medicine, Sinai Health System
Classification: Likely benign for Isolated cryptophthalmia; Fraser syndrome 2. Last evaluated: 2022-08-02. Review status: criteria provided, single submitter. Criteria: ACMG Guidelines, 2015. Collection method: research. Allele origin: germline.

Illumina Laboratory Services, Illumina
Classification: Likely benign for Fraser syndrome 2. Last evaluated: 2018-01-12. Review status: criteria provided, single submitter. Criteria: ICSL Variant Classification Criteria 13 December 2019. Collection method: clinical testing. Allele origin: germline.
Comment: This variant was observed in the ICSL laboratory as part of a predisposition screen in an ostensibly healthy population. It had not been previously curated by ICSL or reported in the Human Gene Mutation Database (HGMD: prior to June 1st, 2018), and was therefore a candidate for classification through an automated scoring system. Utilizing variant allele frequency, disease prevalence and penetrance estimates, and inheritance mode, an automated score was calculated to assess if this variant is too frequent to cause the disease. Based on the score and internal cut-off values, a variant classified as likely benign is not then subjected to further curation. The score for this variant resulted in a classification of likely benign for this disease.

Eurofins Ntd Llc (ga)
Classification: Uncertain significance. Last evaluated: 2015-10-20. Review status: criteria provided, single submitter. Criteria: EGL Classification Definitions 2015. Collection method: clinical testing. Allele origin: germline. Observed: 1 variant allele, 1 heterozygote.

PreventionGenetics, part of Exact Sciences
Classification: Likely benign for FREM2-related condition. Last evaluated: 2022-07-21. Review status: no assertion criteria provided. Collection method: clinical testing. Allele origin: germline. Not counted in ClinVar's aggregate classification.
Comment: This variant is classified as likely benign based on ACMG/AMP sequence variant interpretation guidelines (Richards et al. 2015 PMID: 25741868, with internal and published modifications).

Literature cited by the submitters: PubMed 26489029 (cited by Mayo Clinic Laboratories, Mayo Clinic and Women's Health and Genetics/Laboratory Corporation of America, LabCorp); PubMed 36360262 (cited by Mayo Clinic Laboratories, Mayo Clinic).